The following is an entry in ClinVar:

NM_004484.4(GPC3):c.729T>A (p.Thr243=)

Gene: GPC3 (glypican 3; minus strand). Cytogenetic location: Xq26.2.
Variant type: single nucleotide variant.
Coding change: c.729T>A on transcript NM_004484.4 (MANE Select); coding-DNA position 729, T replaced by A.
Protein change: p.Thr243=; no amino-acid change (threonine 243 retained).
Molecular consequence: synonymous variant.
Genome position (GRCh38, 1-based): chrX:133,753,785, A>T on the plus strand (T>A on the coding strand, the complement: GPC3 is on the minus strand). VCF-style: chrX-133753785-A-T. GRCh37 (hg19) VCF-style: chrX-132887812-A-T.
Other names: c.729T>A, p.Thr243= (NM_001164617.2); c.681T>A, p.Thr227= (NM_001164618.2); c.567T>A, p.Thr189= (NM_001164619.2).
Identifiers: ClinVar variation 4085806 (VCV004085806.8).

ClinVar aggregate classification (germline): Likely benign (1 of 4 stars; one submission).

Submission:

CeGaT Center for Human Genetics Tuebingen
Classification: Likely benign. Last evaluated: 2025-08-01. Review status: criteria provided, single submitter. Criteria: CeGaT Center For Human Genetics Tuebingen Variant Classification Criteria Version 2. Collection method: clinical testing. Allele origin: germline. Affected: yes. Observed: 1 variant allele.
Comment: GPC3: PM2:Supporting, BP4, BP7